The following is an entry in ClinVar:

ClinVar aggregate classification (germline): Benign. Review status: criteria provided, multiple submitters, no conflicts (2 of 4 stars). 2 submissions from 2 submitters: Benign (2). Last evaluated 2018-01-12.

Conditions:
Hereditary spastic paraplegia 30. Identifiers: Orphanet 101010, MedGen C5235139, MONDO:0012476.

Allele frequency attached by ClinVar (database versions not stated): 1000 Genomes Project 30x 0.26858; 1000 Genomes Project 0.27236; TOPMed 0.35944; gnomAD 0.36822 and 0.37083; gnomAD exomes 0.43529.
gnomAD v4.1: 56,120 of 151,770 alleles (37%); highest among the groups gnomAD compares: Middle Eastern, 50%; 12,166 homozygotes.

Submissions (2):

Illumina Laboratory Services, Illumina
Classification: Benign for Spastic paraplegia 30A, autosomal dominant. Last evaluated: 2018-01-12. Review status: criteria provided, single submitter. Criteria: ICSL Variant Classification Criteria 13 December 2019. Collection method: clinical testing. Allele origin: germline.
Comment: This variant was observed in the ICSL laboratory as part of a predisposition screen in an ostensibly healthy population. It had not been previously curated by ICSL or reported in the Human Gene Mutation Database (HGMD: prior to June 1st, 2018), and was therefore a candidate for classification through an automated scoring system. Utilizing variant allele frequency, disease prevalence and penetrance estimates, and inheritance mode, an automated score was calculated to assess if this variant is too frequent to cause the disease. Based on the score and internal cut-off values, a variant classified as benign is not then subjected to further curation. The score for this variant resulted in a classification of benign for this disease.

Breakthrough Genomics
Classification: Benign. Review status: criteria provided, single submitter. Criteria: ACMG Guidelines, 2015. Collection method: not provided. Allele origin: germline. Inheritance: Autosomal recessive inheritance. Affected: yes.

NM_001244008.2(KIF1A):c.*1237C>T

Gene: KIF1A (kinesin family member 1A; minus strand). Cytogenetic location: 2q37.3.
Variant type: single nucleotide variant.
Coding change: c.*1237C>T on transcript NM_001244008.2 (MANE Select); 1237 bases downstream of the stop codon, C replaced by T.
Molecular consequence: 3 prime UTR variant.
Genome position (GRCh38, 1-based): chr2:240,716,127, G>A on the plus strand (C>T on the coding strand, the complement: KIF1A is on the minus strand). VCF-style: chr2-240716127-G-A. GRCh37 (hg19) VCF-style: chr2-241655544-G-A.
Other names: c.*1237C>T (NM_001320705.2, NM_001330289.2, NM_001330290.2 and 20 more transcripts).
Identifiers: ClinVar variation 335240 (VCV000335240.6), dbSNP rs3732341, ClinGen allele CA10614732.